The following is an entry in ClinVar:

NM_001101426.4(CRPPA):c.534+1del

Gene: CRPPA (CDP-L-ribitol pyrophosphorylase A; minus strand). Cytogenetic location: 7p21.2.
Variant type: Deletion.
Coding change: c.534+1del on transcript NM_001101426.4 (MANE Select); the canonical splice donor site of the intron after coding-DNA position 534, one base deleted (G; older notation c.534+1delG).
Molecular consequence: splice donor variant.
Genome position (GRCh38, 1-based): chr7:16,406,060, C deleted on the plus strand (G on the coding strand, the reverse complement: CRPPA is on the minus strand); the first of 4 consecutive C bases (chr7:16,406,060-16,406,063); deleting any one gives the same sequence. VCF-style (leftmost placement, unchanged base first): chr7-16406059-AC-A. GRCh37 (hg19) VCF-style: chr7-16445684-AC-A.
Other names: c.534+1del (NM_001101417.4, NM_001368197.1).
Identifiers: ClinVar variation 2078955 (VCV002078955.6), dbSNP rs1420940583, ClinGen allele CA836129210.

ClinVar aggregate classification (germline): Pathogenic/Likely pathogenic. Review status: criteria provided, multiple submitters, no conflicts (2 of 4 stars). 2 submissions from 2 submitters: Pathogenic (1); Likely pathogenic (1). Last evaluated 2022-01-11.

Conditions:
Muscular dystrophy-dystroglycanopathy (congenital with brain and eye anomalies), type A, 7. Also called: WALKER-WARBURG SYNDROME OR MUSCLE-EYE-BRAIN DISEASE, ISPD-RELATED; Congenital muscular dystrophy-dystroglycanopathy with brain and eye anomalies, type A7. Identifiers: Orphanet 899, MedGen C3553330, MONDO:0013835, OMIM 614643.
Autosomal recessive limb-girdle muscular dystrophy type 2U. Also called: Muscular dystrophy-dystroglycanopathy (limb-girdle), type c, 7; MUSCULAR DYSTROPHY, LIMB-GIRDLE, TYPE 2U. Identifiers: Orphanet 352479, MedGen C5190987, MONDO:0014474, OMIM 616052.

Submissions (2):

Labcorp Genetics (formerly Invitae), Labcorp
Classification: Pathogenic for Muscular dystrophy-dystroglycanopathy (congenital with brain and eye anomalies), type A, 7; Autosomal recessive limb-girdle muscular dystrophy type 2U. Last evaluated: 2022-01-11. Review status: criteria provided, single submitter. Criteria: Invitae Variant Classification Sherloc (09022015). Collection method: clinical testing. Allele origin: germline.
Comment: For these reasons, this variant has been classified as Pathogenic. This variant has not been reported in the literature in individuals affected with ISPD-related conditions. This variant is not present in population databases (gnomAD no frequency). This sequence change creates a premature translational stop signal (p.Ala179Glnfs*21) in the ISPD gene. It is expected to result in an absent or disrupted protein product. Loss-of-function variants in ISPD are known to be pathogenic (PMID: 23288328).

Juno Genomics, Hangzhou Juno Genomics, Inc
Classification: Likely pathogenic for Muscular dystrophy-dystroglycanopathy (congenital with brain and eye anomalies), type A, 7; Autosomal recessive limb-girdle muscular dystrophy type 2U. Review status: criteria provided, single submitter. Criteria: ACMG Guidelines, 2015. Collection method: clinical testing. Allele origin: germline.
Comment: Null variant in a gene where loss of function (LOF) is a known mechanism of disease.;Absent from controls (or at extremely low frequency if recessive) in Genome Aggregation Database.

Literature cited by the submitters: PubMed 23288328 (cited by Labcorp Genetics (formerly Invitae), Labcorp).